The following is an entry in ClinVar:

NM_001351132.2(PEX5):c.1877G>A (p.Arg626Gln)

Gene: PEX5 (peroxisomal biogenesis factor 5; plus strand). Cytogenetic location: 12p13.31.
Variant type: single nucleotide variant.
Coding change: c.1877G>A on transcript NM_001351132.2 (MANE Select); coding-DNA position 1877, G replaced by A.
Protein change: p.Arg626Gln; replaces arginine 626 with glutamine.
Molecular consequence: missense variant.
Genome position (GRCh38, 1-based): chr12:7,210,180, G>A. VCF-style: chr12-7210180-G-A. GRCh37 (hg19) VCF-style: chr12-7362776-G-A.
Other names: c.1853G>A, p.Arg618Gln (NM_000319.5); c.1922G>A, p.Arg641Gln (NM_001131023.2); c.1766G>A, p.Arg589Gln (NM_001131024.2, NM_001351124.3, NM_001351126.2 and 7 more transcripts); c.1877G>A, p.Arg626Gln (NM_001131025.2, NM_001131026.2, NM_001300789.3 and 4 more transcripts); c.1811G>A, p.Arg604Gln (NM_001351135.3, NM_001351138.2); c.1868G>A, p.Arg623Gln (NM_001351136.2); c.1742G>A, p.Arg581Gln (NM_001351139.2, NM_001351140.2, NM_001374649.2); short protein forms R618Q, R623Q, R641Q, R581Q, R589Q, R626Q, R604Q.
Identifiers: ClinVar variation 1408674 (VCV001408674.5), dbSNP rs762252851, ClinGen allele CA6426615.

ClinVar aggregate classification (germline): Uncertain significance. Review status: criteria provided, multiple submitters, no conflicts (2 of 4 stars). 2 submissions from 2 submitters: Uncertain significance (2). Last evaluated 2024-01-15.

Conditions:
Peroxisome biogenesis disorder 2B (PBD2B). Identifiers: Orphanet 44, MedGen C3550234, MONDO:0008736, OMIM 202370.

Allele frequency attached by ClinVar (database versions not stated): gnomAD 0.00001; gnomAD exomes 0.00001; ExAC 0.00002.
gnomAD v4.1: 15 of 1,614,090 alleles (0.00093%); highest among the groups gnomAD compares: South Asian, 0.0077%; no homozygotes.

Submissions (2):

Labcorp Genetics (formerly Invitae), Labcorp
Classification: Uncertain significance for Peroxisome biogenesis disorder 2B. Last evaluated: 2024-01-15. Review status: criteria provided, single submitter. Criteria: Invitae Variant Classification Sherloc (09022015). Collection method: clinical testing. Allele origin: germline.
Comment: This sequence change replaces arginine, which is basic and polar, with glutamine, which is neutral and polar, at codon 626 of the PEX5 protein (p.Arg626Gln). The frequency data for this variant in the population databases is considered unreliable, as metrics indicate poor data quality at this position in the gnomAD database. This variant has not been reported in the literature in individuals affected with PEX5-related conditions. ClinVar contains an entry for this variant (Variation ID: 1408674). Advanced modeling of protein sequence and biophysical properties (such as structural, functional, and spatial information, amino acid conservation, physicochemical variation, residue mobility, and thermodynamic stability) performed at Invitae indicates that this missense variant is not expected to disrupt PEX5 protein function with a negative predictive value of 80%. In summary, the available evidence is currently insufficient to determine the role of this variant in disease. Therefore, it has been classified as a Variant of Uncertain Significance.

Blueprint Genetics
Classification: Uncertain significance. Last evaluated: 2019-10-18. Review status: criteria provided, single submitter. Criteria: ACMG Guidelines, 2015. Collection method: clinical testing. Allele origin: germline.